The following is an entry in ClinVar:

ClinVar aggregate classification (germline): Likely benign (1 of 4 stars; one submission).

Allele frequency attached by ClinVar (database versions not stated): 1000 Genomes Project 30x 0.00874; 1000 Genomes Project 0.00899; gnomAD 0.00999; TOPMed 0.01050.
gnomAD v4.1: 1,382 of 152,248 alleles (0.91%); highest among the groups gnomAD compares: African/African-American, 3.2%; 21 homozygotes.

Submission:

GeneDx
Classification: Likely benign. Last evaluated: 2018-06-16. Review status: criteria provided, single submitter. Criteria: GeneDx Variant Classification (06012015). Collection method: clinical testing. Allele origin: germline. Affected: yes.
Comment: This variant is considered likely benign or benign based on one or more of the following criteria: it is a conservative change, it occurs at a poorly conserved position in the protein, it is predicted to be benign by multiple in silico algorithms, and/or has population frequency not consistent with disease.

NM_020297.4(ABCC9):c.3772-250T>C

Genes: ABCC9 (ATP binding cassette subfamily C member 9; minus strand), KCNJ8-AS1 (KCNJ8 antisense RNA 1; plus strand). Cytogenetic location: 12p12.1.
Variant type: single nucleotide variant.
Coding change: c.3772-250T>C on transcript NM_020297.4 (MANE Select); 250 bases into the intron before coding-DNA position 3772, T replaced by C.
Molecular consequence: intron variant.
Genome position (GRCh38, 1-based): chr12:21,817,557, A>G on the plus strand (T>C on the coding strand, the complement: ABCC9 is on the minus strand). VCF-style: chr12-21817557-A-G. GRCh37 (hg19) VCF-style: chr12-21970491-A-G.
Other names: c.2905-250T>C (NM_001377274.1); c.3772-250T>C (NM_005691.4, NM_001377273.1).
Identifiers: ClinVar variation 679825 (VCV000679825.1), dbSNP rs78800617, ClinGen allele CA233616425.